The following is an entry in ClinVar:

NM_032638.5(GATA2):c.63C>A (p.His21Gln)

Gene: GATA2 (GATA binding protein 2; minus strand). Cytogenetic location: 3q21.3.
Variant type: single nucleotide variant.
Coding change: c.63C>A on transcript NM_032638.5 (MANE Select); coding-DNA position 63, C replaced by A.
Protein change: p.His21Gln; replaces histidine 21 with glutamine.
Molecular consequence: missense variant.
Genome position (GRCh38, 1-based): chr3:128,486,969, G>T on the plus strand (C>A on the coding strand, the complement: GATA2 is on the minus strand). VCF-style: chr3-128486969-G-T. GRCh37 (hg19) VCF-style: chr3-128205812-G-T.
Other names: c.63C>A, p.His21Gln (NM_001145661.2, NM_001145662.1); short protein forms H21Q.
Identifiers: ClinVar variation 847398 (VCV000847398.11), dbSNP rs535362527, ClinGen allele CA2600111.
Genomic context (GRCh38, chr3:128,486,969, plus strand): 5'-AGGCAGCAGCTGCGCGGGTTCCATGTAGTTGTGCGCCAGGCCCGGGTGGTGTGAGTCGGG[G>T]TGCTGCGCATTCAGCACGGCCGGGTGCGCCATCCAGCGCGGCTGCTCGGGCGCCACCTCC-3'
Protein context (NP_116027.2, residues 11-31): MAHPAVLNAQ[His21Gln]PDSHHPGLAH

ClinVar aggregate classification (germline): Uncertain significance. Review status: criteria provided, multiple submitters, no conflicts (2 of 4 stars). 2 submissions from 2 submitters: Uncertain significance (2). Last evaluated 2025-11-18.

Conditions:
Deafness-lymphedema-leukemia syndrome. Also called: Emberger syndrome; Lymphedema, primary, with myelodysplasia. Identifiers: Orphanet 3226, MedGen C3279664, MONDO:0013540, OMIM 614038.
Monocytopenia with susceptibility to infections. Also called: GATA2 DEFICIENCY; IMMUNODEFICIENCY 21; MONOCYTOPENIA AND MYCOBACTERIAL INFECTION SYNDROME; MONOCYTOPENIA WITH SUSCEPTIBILITY TO MYCOBACTERIAL, FUNGAL, AND PAPILLOMAVIRUS INFECTIONS AND MYELODYSPLASIA; COMBINED IMMUNODEFICIENCY WITH SUSCEPTIBILITY TO MYCOBACTERIAL, VIRAL, AND FUNGAL INFECTIONS; Dendritic cell, monocyte, B lymphocyte, and natural killer lymphocyte deficiency. Identifiers: Orphanet 228423, MedGen C3280030, MONDO:0013607, OMIM 614172.
Inborn genetic diseases. Identifiers: MedGen C0950123, MeSH D030342.

Allele frequency attached by ClinVar (database versions not stated): 1000 Genomes Project 0.00020; 1000 Genomes Project 30x 0.00016.

Submissions (2):

Labcorp Genetics (formerly Invitae), Labcorp
Classification: Uncertain significance for Monocytopenia with susceptibility to infections; Deafness-lymphedema-leukemia syndrome. Last evaluated: 2025-11-18. Review status: criteria provided, single submitter. Criteria: Invitae Variant Classification Sherloc (09022015). Collection method: clinical testing. Allele origin: germline.
Comment: This sequence change replaces histidine, which is basic and polar, with glutamine, which is neutral and polar, at codon 21 of the GATA2 protein (p.His21Gln). The frequency data for this variant in the population databases is considered unreliable, as metrics indicate poor data quality at this position in the gnomAD database. This variant has not been reported in the literature in individuals affected with GATA2-related conditions. ClinVar contains an entry for this variant (Variation ID: 847398). Invitae Evidence Modeling of protein sequence and biophysical properties (such as structural, functional, and spatial information, amino acid conservation, physicochemical variation, residue mobility, and thermodynamic stability) has been performed for this missense variant. However, the output from this modeling did not meet the statistical confidence thresholds required to predict the impact of this variant on GATA2 protein function. In summary, the available evidence is currently insufficient to determine the role of this variant in disease. Therefore, it has been classified as a Variant of Uncertain Significance.

Ambry Genetics
Classification: Uncertain significance for Inborn genetic diseases. Last evaluated: 2025-06-14. Review status: criteria provided, single submitter. Criteria: Ambry Variant Classification Scheme 2023. Collection method: clinical testing. Allele origin: germline.
Comment: The p.H21Q variant (also known as c.63C>A), located in coding exon 1 of the GATA2 gene, results from a C to A substitution at nucleotide position 63. The histidine at codon 21 is replaced by glutamine, an amino acid with highly similar properties. This amino acid position is conserved. In addition, this alteration is predicted to be deleterious by in silico analysis. Based on the available evidence, the clinical significance of this variant remains unclear.